The following is an entry in ClinVar:

NM_000548.5(TSC2):c.636T>C (p.Ser212=)

Gene: TSC2 (TSC complex subunit 2; plus strand). Cytogenetic location: 16p13.3.
Variant type: single nucleotide variant.
Coding change: c.636T>C on transcript NM_000548.5 (MANE Select); coding-DNA position 636, T replaced by C.
Protein change: p.Ser212=; no amino-acid change (serine 212 retained).
Molecular consequence: synonymous variant.
Genome position (GRCh38, 1-based): chr16:2,056,232, T>C. VCF-style: chr16-2056232-T-C. GRCh37 (hg19) VCF-style: chr16-2106233-T-C.
Other names: c.636T>C (NM_000548.3); c.636T>C, p.Ser212= (NM_001077183.3, NM_001114382.3, NM_001363528.2 and 3 more transcripts); c.525T>C, p.Ser175= (NM_001318827.2); c.489T>C, p.Ser163= (NM_001318829.2); c.36T>C, p.Ser12= (NM_001318831.2); c.669T>C, p.Ser223= (NM_001318832.2).
Identifiers: ClinVar variation 1161083 (VCV001161083.11), dbSNP rs2151071330, ClinGen allele CA492956366.

ClinVar aggregate classification (germline): Benign/Likely benign. Review status: criteria provided, multiple submitters, no conflicts (2 of 4 stars). 3 submissions from 3 submitters: Benign (1); Likely benign (2). Last evaluated 2025-05-08.

Conditions:
Tuberous sclerosis 2 (TSC2). Identifiers: Orphanet 805, MedGen C1860707, MONDO:0013199, OMIM 613254.
Hereditary cancer-predisposing syndrome. Also called: Neoplastic Syndromes, Hereditary; Hereditary Cancer Syndrome; Hereditary neoplastic syndrome; Tumor predisposition. Identifiers: Orphanet 140162, MedGen C0027672, MeSH D009386, MONDO:0015356.

Submissions (3):

Myriad Genetics, Inc.
Classification: Benign for Tuberous sclerosis 2. Last evaluated: 2025-05-08. Review status: criteria provided, single submitter. Criteria: Myriad Autosomal Dominant, Autosomal Recessive and X-Linked Classification Criteria (2023). Collection method: clinical testing. Allele origin: unknown.
Comment: This variant is considered benign. This variant is a silent/synonymous amino acid change and it is not expected to impact splicing.

Ambry Genetics
Classification: Likely benign for Hereditary cancer-predisposing syndrome. Last evaluated: 2024-03-19. Review status: criteria provided, single submitter. Criteria: Ambry Variant Classification Scheme 2023. Collection method: clinical testing. Allele origin: germline.

Labcorp Genetics (formerly Invitae), Labcorp
Classification: Likely benign for Tuberous sclerosis 2. Last evaluated: 2020-10-25. Review status: criteria provided, single submitter. Criteria: Invitae Variant Classification Sherloc (09022015). Collection method: clinical testing. Allele origin: germline.